The following is an entry in ClinVar:

NM_213655.5(WNK1):c.2557G>A (p.Ala853Thr)

Gene: WNK1 (WNK lysine deficient protein kinase 1; plus strand). Cytogenetic location: 12p13.33.
Variant type: single nucleotide variant.
Coding change: c.2557G>A on transcript NM_213655.5 (MANE Plus Clinical); coding-DNA position 2557, G replaced by A.
Protein change: p.Ala853Thr; replaces alanine 853 with threonine.
Molecular consequence: missense variant. On other transcripts: intron variant (2).
Genome position (GRCh38, 1-based): chr12:868,028, G>A. VCF-style: chr12-868028-G-A. GRCh37 (hg19) VCF-style: chr12-977194-G-A.
Other names: c.2302G>A, p.Ala768Thr (NM_001184985.2); c.2140-3237G>A (NM_018979.4, NM_014823.3); short protein forms A768T, A853T.
Identifiers: ClinVar variation 1465263 (VCV001465263.9), dbSNP rs1951825184, ClinGen allele CA383339132.

ClinVar aggregate classification (germline): Uncertain significance (1 of 4 stars; one submission).

Conditions:
Neuropathy, hereditary sensory and autonomic, type 2A (HSAN2A). Also called: ACROOSTEOLYSIS, GIACCAI TYPE; ACROOSTEOLYSIS, NEUROGENIC; MORVAN DISEASE; NEUROPATHY, CONGENITAL SENSORY; NEUROPATHY, HEREDITARY SENSORY RADICULAR, AUTOSOMAL RECESSIVE; NEUROPATHY, HEREDITARY SENSORY, TYPE IIA. Identifiers: Orphanet 970, MedGen C2752089, MONDO:0024309, OMIM 201300.
Pseudohypoaldosteronism type 2C (PHA2C). Also called: Pseudohypoaldosteronism Type IIC. Identifiers: Orphanet 757, Orphanet 88940, MedGen C1840391, MONDO:0013778, OMIM 614492.

Allele frequency attached by ClinVar (database versions not stated): gnomAD exomes below 0.00001; TOPMed below 0.00001.
gnomAD v4.1: 3 of 1,613,958 alleles (0.00019%); highest among the groups gnomAD compares: Non-Finnish European, 0.00017%; no homozygotes.

Submission:

Labcorp Genetics (formerly Invitae), Labcorp
Classification: Uncertain significance for Neuropathy, hereditary sensory and autonomic, type 2A; Pseudohypoaldosteronism type 2C. Last evaluated: 2022-11-24. Review status: criteria provided, single submitter. Criteria: Invitae Variant Classification Sherloc (09022015). Collection method: clinical testing. Allele origin: germline.
Comment: This sequence change replaces alanine, which is neutral and non-polar, with threonine, which is neutral and polar, at codon 853 of the WNK1 protein (p.Ala853Thr). This variant is not present in population databases (gnomAD no frequency). This variant has not been reported in the literature in individuals affected with WNK1-related conditions. ClinVar contains an entry for this variant (Variation ID: 1465263). Advanced modeling of protein sequence and biophysical properties (such as structural, functional, and spatial information, amino acid conservation, physicochemical variation, residue mobility, and thermodynamic stability) performed at Invitae indicates that this missense variant is not expected to disrupt WNK1 protein function. In summary, the available evidence is currently insufficient to determine the role of this variant in disease. Therefore, it has been classified as a Variant of Uncertain Significance.